The following is an entry in ClinVar:

NM_000553.6(WRN):c.3989G>A (p.Ser1330Asn)

Gene: WRN (WRN RecQ like helicase; plus strand). Cytogenetic location: 8p12.
Variant type: single nucleotide variant.
Coding change: c.3989G>A on transcript NM_000553.6 (MANE Select); coding-DNA position 3989, G replaced by A.
Protein change: p.Ser1330Asn; replaces serine 1330 with asparagine.
Molecular consequence: missense variant.
Genome position (GRCh38, 1-based): chr8:31,167,028, G>A. VCF-style: chr8-31167028-G-A. GRCh37 (hg19) VCF-style: chr8-31024544-G-A.
Other names: short protein forms S1330N.
Identifiers: ClinVar variation 528128 (VCV000528128.9), dbSNP rs778162176, ClinGen allele CA4705237.

ClinVar aggregate classification (germline): Conflicting classifications of pathogenicity. Review status: criteria provided, conflicting classifications (1 of 4 stars). 2 submissions from 2 submitters: Uncertain significance (1); Likely benign (1). Last evaluated 2025-11-19.

Conditions:
Inborn genetic diseases. Identifiers: MedGen C0950123, MeSH D030342.
Werner syndrome (WRN). Identifiers: Orphanet 902, MedGen C0043119, MONDO:0010196, OMIM 277700.

Allele frequency attached by ClinVar (database versions not stated): TOPMed below 0.00001; ExAC 0.00001; gnomAD 0.00001; gnomAD exomes 0.00001.
gnomAD v4.1: 8 of 1,612,438 alleles (0.0005%); highest among the groups gnomAD compares: African/African-American, 0.0027%; no homozygotes.

Submissions (2):

Labcorp Genetics (formerly Invitae), Labcorp
Classification: Uncertain significance for Werner syndrome. Last evaluated: 2025-11-19. Review status: criteria provided, single submitter. Criteria: Invitae Variant Classification Sherloc (09022015). Collection method: clinical testing. Allele origin: germline.
Comment: This sequence change replaces serine, which is neutral and polar, with asparagine, which is neutral and polar, at codon 1330 of the WRN protein (p.Ser1330Asn). This variant is present in population databases (rs778162176, gnomAD 0.002%). This variant has not been reported in the literature in individuals affected with WRN-related conditions. ClinVar contains an entry for this variant (Variation ID: 528128). An algorithm developed to predict the effect of missense changes on protein structure and function outputs the following: PolyPhen-2: "Benign". The asparagine amino acid residue is found in multiple mammalian species, which suggests that this missense change does not adversely affect protein function. In summary, the available evidence is currently insufficient to determine the role of this variant in disease. Therefore, it has been classified as a Variant of Uncertain Significance.

Ambry Genetics
Classification: Likely benign for Inborn genetic diseases. Last evaluated: 2025-07-15. Review status: criteria provided, single submitter. Criteria: Ambry Variant Classification Scheme 2023. Collection method: clinical testing. Allele origin: germline.